The following is an entry in ClinVar:

ClinVar aggregate classification (germline): Likely benign (0 of 4 stars; one submission).

Conditions:
FOCAD-related disorder. Also called: FOCAD-related condition.

Submission:

PreventionGenetics, part of Exact Sciences
Classification: Likely benign for FOCAD-related condition. Last evaluated: 2022-08-26. Review status: no assertion criteria provided. Collection method: clinical testing. Allele origin: germline.
Comment: This variant is classified as likely benign based on ACMG/AMP sequence variant interpretation guidelines (Richards et al. 2015 PMID: 25741868, with internal and published modifications).

NM_001375567.1(FOCAD):c.4729-11_4729-5dup

Gene: FOCAD (focadhesin; plus strand). Cytogenetic location: 9p21.3.
Variant type: Duplication.
Coding change: c.4729-11_4729-5dup on transcript NM_001375567.1 (MANE Select); 11 bases into the intron before coding-DNA position 4729 through 5 bases into the intron before coding-DNA position 4729, 7 bases duplicated (TTTTTTT; older notation c.4729-11_4729-5dupTTTTTTT).
Molecular consequence: intron variant.
Genome position (GRCh38, 1-based): chr9:20,986,277-20,986,283, TTTTTTT duplicated; duplicating any 7 consecutive bases within chr9:20,986,267-20,986,283 gives the same sequence; the c. name uses the placement nearest the transcript's 3' end. VCF-style (leftmost placement, unchanged base first): chr9-20986266-A-ATTTTTTT. GRCh37 (hg19) VCF-style: chr9-20986265-A-ATTTTTTT.
Other names: c.4729-11_4729-5dup (NM_017794.5); c.4624-11_4624-5dup (NM_001375568.1, NM_001375570.1).
Identifiers: ClinVar variation 3048902 (VCV003048902.2), dbSNP rs545976303, ClinGen allele CA862073096.
Genomic context (GRCh38, chr9:20,986,266, plus strand): 5'-TGTTTTGCCCTTGCCCTGAAATTCTGTAGCTACTTCAGTTAATTTAATAGTAACTAAACA[A>ATTTTTTT]TTTTTTTTTTTTTTTTTGCAGAGCAACATAGAAAAAGCTGCCTTTGTCAAACTGTACTTA-3'